The following is an entry in ClinVar:

NM_001148.6(ANK2):c.11807A>G (p.Tyr3936Cys)

Gene: ANK2 (ankyrin 2; plus strand). Cytogenetic location: 4q26.
Variant type: single nucleotide variant.
Coding change: c.11807A>G on transcript NM_001148.6 (MANE Select); coding-DNA position 11807, A replaced by G.
Protein change: p.Tyr3936Cys; replaces tyrosine 3936 with cysteine.
Molecular consequence: missense variant. On other transcripts: intron variant (9).
Genome position (GRCh38, 1-based): chr4:113,373,397, A>G. VCF-style: chr4-113373397-A-G. GRCh37 (hg19) VCF-style: chr4-114294553-A-G.
Other names: c.5525A>G, p.Tyr1842Cys (NM_001127493.3); c.5564A>G, p.Tyr1855Cys (NM_001354225.2); c.5546A>G, p.Tyr1849Cys (NM_001354228.2); c.5531A>G, p.Tyr1844Cys (NM_001354230.2); c.5687A>G, p.Tyr1896Cys (NM_001354231.2); c.5681A>G, p.Tyr1894Cys (NM_001354232.2); c.5642A>G, p.Tyr1881Cys (NM_001354235.2); c.5450A>G, p.Tyr1817Cys (NM_001354236.2); and 50 more; short protein forms Y1027C, Y1034C, Y1039C, Y1690C, Y1723C, Y1751C, Y1756C, Y1764C.
Identifiers: ClinVar variation 1318748 (VCV001318748.15), dbSNP rs377555678, ClinGen allele CA3052379.

ClinVar aggregate classification (germline): Conflicting classifications of pathogenicity. Review status: criteria provided, conflicting classifications (1 of 4 stars). 5 submissions from 5 submitters: Uncertain significance (4); Likely benign (1). Last evaluated 2026-01-28.

Conditions:
Cardiovascular phenotype. Identifiers: MedGen CN230736.
Long QT syndrome (LQTS). Identifiers: MedGen C0023976, MeSH D008133, MONDO:0002442. Disease mechanism: loss of function. Inheritance: Various modes of inheritance.
Cardiac arrhythmia, ankyrin-B-related. Also called: ANKYRIN-B SYNDROME. Identifiers: Orphanet 101016, Orphanet 768, MedGen C1970119, MONDO:0010958, OMIM 600919.

Allele frequency attached by ClinVar (database versions not stated): ESP Exome Variant Server 0.00008.
gnomAD v4.1: 194 of 1,614,100 alleles (0.012%); highest among the groups gnomAD compares: Non-Finnish European, 0.015%; no homozygotes.

Submissions (5):

Labcorp Genetics (formerly Invitae), Labcorp
Classification: Uncertain significance for Long QT syndrome. Last evaluated: 2026-01-28. Review status: criteria provided, single submitter. Criteria: Invitae Variant Classification Sherloc (09022015). Collection method: clinical testing. Allele origin: germline.
Comment: This sequence change replaces tyrosine, which is neutral and polar, with cysteine, which is neutral and slightly polar, at codon 3936 of the ANK2 protein (p.Tyr3936Cys). This variant is present in population databases (rs377555678, gnomAD 0.007%). This missense change has been observed in individual(s) with sudden cardiac death (PMID: 27332903). ClinVar contains an entry for this variant (Variation ID: 1318748). An algorithm developed to predict the effect of missense changes on protein structure and function (PolyPhen-2) suggests that this variant is likely to be disruptive. In summary, the available evidence is currently insufficient to determine the role of this variant in disease. Therefore, it has been classified as a Variant of Uncertain Significance.

Women's Health and Genetics/Laboratory Corporation of America, LabCorp
Classification: Likely benign. Last evaluated: 2024-09-30. Review status: criteria provided, single submitter. Criteria: LabCorp Variant Classification Summary - May 2015. Collection method: clinical testing. Allele origin: germline.
Comment: Variant summary: ANK2 c.11807A>G (p.Tyr3936Cys) results in a non-conservative amino acid change in the encoded protein sequence. Three of five in-silico tools predict a damaging effect of the variant on protein function. The variant allele was found at a frequency of 0.00012 in 1614100 control chromosomes. The observed variant frequency is approximately 12-fold of the estimated maximal expected allele frequency for a pathogenic variant in ANK2 causing Arrhythmia phenotype (1e-05). c.11807A>G has been reported in the literature one case of sudden unexplained cardiac death (Bagnall_2016). These data do not allow any conclusion about variant significance. To our knowledge, no experimental evidence demonstrating an impact on protein function has been reported. The following publication has been ascertained in the context of this evaluation (PMID: 27332903). ClinVar contains an entry for this variant (Variation ID: 1318748). Based on the evidence outlined above, the variant was classified as likely benign.

Ambry Genetics
Classification: Uncertain significance for Cardiovascular phenotype. Last evaluated: 2024-04-01. Review status: criteria provided, single submitter. Criteria: Ambry Variant Classification Scheme 2023. Collection method: clinical testing. Allele origin: germline.
Comment: The p.Y3936C variant (also known as c.11807A>G), located in coding exon 45 of the ANK2 gene, results from an A to G substitution at nucleotide position 11807. The tyrosine at codon 3936 is replaced by cysteine, an amino acid with highly dissimilar properties. This amino acid position is not well conserved in available vertebrate species. In addition, this alteration is predicted to be deleterious by in silico analysis. According to data from gnomAD, the frequency for this variant is above the maximum credible frequency for a cardiac disease-causing variant in this gene based on internally established thresholds (Karczewski et al.Nature. 2020 May;581(7809):434-443; Whiffin et al.Genet Med. 2017 10;19:1151-1158). Based on the supporting evidence, the association of this alteration withANK2-related neurodevelopmental disorderis unknown; however, the association withANK2-related arrhythmiais unlikely.

Fulgent Genetics
Classification: Uncertain significance for Cardiac arrhythmia, ankyrin-B-related. Last evaluated: 2022-01-07. Review status: criteria provided, single submitter. Criteria: ACMG Guidelines, 2015. Collection method: clinical testing. Allele origin: unknown.

GeneDx
Classification: Uncertain significance. Last evaluated: 2021-02-23. Review status: criteria provided, single submitter. Criteria: GeneDx Variant Classification Process June 2021. Collection method: clinical testing. Allele origin: germline. Affected: yes.
Comment: Reported in one patient with sudden cardiac death (Bagnall et al., 2016); however, additional clinical information was not provided; In silico analysis supports that this missense variant has a deleterious effect on protein structure/function; This variant is associated with the following publications: (PMID: 27332903)

Literature cited by the submitters: PubMed 27332903 (cited by 3 submitters).